The following is an entry in ClinVar:

NC_000006.11:g.(65707597_65767506)_(65767621_66005755)dup

Gene: EYS (eyes shut homolog; minus strand). Cytogenetic location: 6q12.
Variant type: Duplication.
Identifiers: ClinVar variation 1683286 (VCV001683286.1).

ClinVar aggregate classification (germline): Uncertain significance (1 of 4 stars; one submission).

Submission:

Women's Health and Genetics/Laboratory Corporation of America, LabCorp
Classification: Uncertain significance. Last evaluated: 2022-04-15. Review status: criteria provided, single submitter. Criteria: LabCorp Variant Classification Summary - May 2015. Collection method: clinical testing. Allele origin: germline.
Comment: Variant summary: The variant identified by MLPA or other technology involves the duplication of exon 13 in the EYS gene. A presumed nomenclature of c.(2023+1_2024-1)_(2137+1_2138-1)dup has been designated for the purposes of this classification. It has been assumed that this is a tandem duplication in direct orientation (Richardson_GIM_2018, Newman_AJHG_2015). Although exact breakpoints of this duplication are not known, it is expected to result in a large in-frame duplication change in the EYS gene. The variant was absent in 21692 control chromosomes (gnomAD, Structural Variants dataset). The available data on variant occurrences in the general population are insufficient to allow any conclusion about variant significance. To our knowledge, no occurrence of c.(2023+1_2024-1)_(2137+1_2138-1)dup in individuals affected with Retinitis Pigmentosa and no experimental evidence demonstrating its impact on protein function have been reported. No clinical diagnostic laboratories have submitted clinical-significance assessments for this variant to ClinVar after 2014. Based on the evidence outlined above, the variant was classified as uncertain significance.